The following is an entry in ClinVar:

ClinVar aggregate classification (germline): Uncertain significance (1 of 4 stars; one submission).

Conditions:
Neurodevelopmental disorder with cerebellar atrophy and motor dysfunction. Identifiers: MedGen C5543427, MONDO:0859152, OMIM 619333.

gnomAD v4.1: 7 of 1,613,814 alleles (0.00043%); highest among the groups gnomAD compares: Non-Finnish European, 0.00059%; no homozygotes.

Submission:

3billion
Classification: Uncertain significance for Neurodevelopmental disorder with cerebellar atrophy and motor dysfunction. Last evaluated: 2025-12-16. Review status: criteria provided, single submitter. Criteria: ACMG Guidelines, 2015. Collection method: clinical testing. Allele origin: germline. Affected: yes.
Comment: The variant is observed at an extremely low frequency in the gnomAD v4.1.0 dataset (total allele frequency: <0.001%). Predicted Consequence/Location: Missense variant In silico tool predictions suggest damaging effect of the variant on gene or gene product [REVEL: 0.80 (>=0.6, sensitivity 0.68 and specificity 0.92)]. Therefore, this variant is classified as VUS according to the recommendation of ACMG/AMP guideline.

NM_015465.5(GEMIN5):c.1909G>C (p.Gly637Arg)

Gene: GEMIN5 (gem nuclear organelle associated protein 5; minus strand). Cytogenetic location: 5q33.2.
Variant type: single nucleotide variant.
Coding change: c.1909G>C on transcript NM_015465.5 (MANE Select); coding-DNA position 1909, G replaced by C.
Protein change: p.Gly637Arg; replaces glycine 637 with arginine.
Molecular consequence: missense variant.
Genome position (GRCh38, 1-based): chr5:154,912,985, C>G on the plus strand (G>C on the coding strand, the complement: GEMIN5 is on the minus strand). VCF-style: chr5-154912985-C-G. GRCh37 (hg19) VCF-style: chr5-154292545-C-G.
Other names: c.1906G>C, p.Gly636Arg (NM_001252156.2); short protein forms G636R, G637R.
Identifiers: ClinVar variation 4854608 (VCV004854608.1).